The following is an entry in ClinVar:

NM_003919.3(SGCE):c.1012A>G (p.Ile338Val)

Genes: CASD1 (CAS1 domain sialic acid O acetyltransferase 1; plus strand), SGCE (sarcoglycan epsilon; minus strand). Cytogenetic location: 7q21.3.
Variant type: single nucleotide variant.
Coding change: c.1012A>G on transcript NM_003919.3 (MANE Select); coding-DNA position 1012, A replaced by G.
Protein change: p.Ile338Val; replaces isoleucine 338 with valine.
Molecular consequence: missense variant.
Genome position (GRCh38, 1-based): chr7:94,600,671, T>C on the plus strand (A>G on the coding strand, the complement: SGCE is on the minus strand). VCF-style: chr7-94600671-T-C. GRCh37 (hg19) VCF-style: chr7-94229983-T-C.
Other names: c.1012A>G, p.Ile338Val (NM_001099400.2, NM_001099401.2, NM_001346717.2); c.889A>G, p.Ile297Val (NM_001301139.2, NM_001362809.2); c.1120A>G, p.Ile374Val (NM_001346713.2, NM_001346715.2); c.925A>G, p.Ile309Val (NM_001346719.2, NM_001362807.2); c.739A>G, p.Ile247Val (NM_001346720.2, NM_001362808.2); c.1012A>G (NM_003919.2); short protein forms I247V, I297V, I309V, I338V, I374V.
Identifiers: ClinVar variation 2415072 (VCV002415072.9), dbSNP rs2484942333, ClinGen allele CA368230473.

ClinVar aggregate classification (germline): Uncertain significance. Review status: criteria provided, multiple submitters, no conflicts (2 of 4 stars). 2 submissions from 2 submitters: Uncertain significance (2). Last evaluated 2022-09-02.

Conditions:
Myoclonic dystonia 11 (DYT11). Also called: DYT-SGCE; Myoclonic dystonia; Dystonia 11; Dystonia, alcohol responsive; Hereditary essential myoclonus; SGCE Myoclonus-Dystonia. Identifiers: Orphanet 36899, MedGen C1834570, MONDO:0008044, OMIM 159900.

Allele frequency attached by ClinVar (database versions not stated): gnomAD exomes below 0.00001.
gnomAD v4.1: 4 of 1,613,644 alleles (0.00025%); highest among the groups gnomAD compares: Admixed American, 0.0017%; no homozygotes.

Submissions (2):

Labcorp Genetics (formerly Invitae), Labcorp
Classification: Uncertain significance for Myoclonic dystonia 11. Last evaluated: 2022-09-02. Review status: criteria provided, single submitter. Criteria: Invitae Variant Classification Sherloc (09022015). Collection method: clinical testing. Allele origin: germline.
Comment: In summary, the available evidence is currently insufficient to determine the role of this variant in disease. Therefore, it has been classified as a Variant of Uncertain Significance. Algorithms developed to predict the effect of missense changes on protein structure and function (SIFT, PolyPhen-2, Align-GVGD) all suggest that this variant is likely to be tolerated. This variant has not been reported in the literature in individuals affected with SGCE-related conditions. This variant is not present in population databases (gnomAD no frequency). This sequence change replaces isoleucine, which is neutral and non-polar, with valine, which is neutral and non-polar, at codon 338 of the SGCE protein (p.Ile338Val).

Revvity Omics, Revvity
Classification: Uncertain significance for Myoclonic dystonia 11. Last evaluated: 2019-04-05. Review status: criteria provided, single submitter. Criteria: ACMG Guidelines, 2015. Collection method: clinical testing. Allele origin: germline.